The following is an entry in ClinVar:

ClinVar aggregate classification (germline): Uncertain significance (1 of 4 stars; one submission).

Conditions:
SEMA3C-related disorder. Also called: SEMA3C-related condition.

gnomAD v4.1: 2 of 1,613,932 alleles (0.00012%); highest among the groups gnomAD compares: African/African-American, 0.0027%; no homozygotes.

Submission:

PreventionGenetics, part of Exact Sciences
Classification: Uncertain significance for SEMA3C-related condition. Last evaluated: 2025-12-01. Review status: criteria provided, single submitter. Criteria: ACMG Guidelines, 2015. Collection method: clinical testing. Allele origin: germline.
Comment: The SEMA3C c.2295G>C variant is predicted to result in the amino acid substitution p.Gln765His. To our knowledge, this variant has not been reported in the literature. This variant is reported in 0.0062% of alleles in individuals of African descent in gnomAD. At this time, the clinical significance of this variant is uncertain due to the absence of conclusive functional and genetic evidence.

NM_006379.5(SEMA3C):c.2241G>C (p.Gln747His)

Gene: SEMA3C (semaphorin 3C; minus strand). Cytogenetic location: 7q21.11.
Variant type: single nucleotide variant.
Coding change: c.2241G>C on transcript NM_006379.5 (MANE Select); coding-DNA position 2241, G replaced by C.
Protein change: p.Gln747His; replaces glutamine 747 with histidine.
Molecular consequence: missense variant.
Genome position (GRCh38, 1-based): chr7:80,744,909, C>G on the plus strand (G>C on the coding strand, the complement: SEMA3C is on the minus strand). VCF-style: chr7-80744909-C-G. GRCh37 (hg19) VCF-style: chr7-80374225-C-G.
Other names: c.2295G>C, p.Gln765His (NM_001350120.2); c.2067G>C, p.Gln689His (NM_001350121.2); short protein forms Q765H, Q689H, Q747H.
Identifiers: ClinVar variation 4990005 (VCV004990005.1).